The following is an entry in ClinVar:

NM_002769.5(PRSS1):c.560G>A (p.Gly187Asp)

Genes: PRSS1 (serine protease 1; plus strand), TRB (T cell receptor beta locus; plus strand). Cytogenetic location: 7q34.
Variant type: single nucleotide variant.
Coding change: c.560G>A on transcript NM_002769.5 (MANE Select); coding-DNA position 560, G replaced by A.
Protein change: p.Gly187Asp; replaces glycine 187 with aspartic acid.
Molecular consequence: missense variant. On other transcripts: non-coding transcript variant (5).
Genome position (GRCh38, 1-based): chr7:142,752,536, G>A. VCF-style: chr7-142752536-G-A. GRCh37 (hg19) VCF-style: chr7-142460387-G-A.
Other names: short protein forms G187D.
Identifiers: ClinVar variation 2625415 (VCV002625415.2), dbSNP rs2485762940, ClinGen allele CA369610383.

ClinVar aggregate classification (germline): Uncertain significance (1 of 4 stars; one submission).

Conditions:
Hereditary pancreatitis (PCTT). Also called: PRSS1-Related Hereditary Pancreatitis; Hereditary chronic pancreatitis. Identifiers: Orphanet 676, MedGen C0238339, MONDO:0008185, OMIM 167800.

Allele frequency attached by ClinVar (database versions not stated): gnomAD exomes below 0.00001.
gnomAD v4.1: 4 of 1,614,206 alleles (0.00025%); highest among the groups gnomAD compares: Non-Finnish European, 0.00034%; no homozygotes.

Submission:

Ambry Genetics
Classification: Uncertain significance for Hereditary pancreatitis. Last evaluated: 2023-07-29. Review status: criteria provided, single submitter. Criteria: Ambry Variant Classification Scheme 2023. Collection method: clinical testing. Allele origin: germline.
Comment: The p.G187D variant (also known as c.560G>A), located in coding exon 4 of the PRSS1 gene, results from a G to A substitution at nucleotide position 560. The glycine at codon 187 is replaced by aspartic acid, an amino acid with similar properties. This amino acid position is conserved. In addition, this alteration is predicted to be deleterious by in silico analysis. Since supporting evidence is limited at this time, the clinical significance of this alteration remains unclear.